The following is an entry in ClinVar:

Conditions:
Arteriohepatic dysplasia. Also called: Alagille Syndrome. Identifiers: Orphanet 52, MedGen C0085280, MeSH D016738, MONDO:0007318.

Submission:

Gilbert/Spinner Lab, Children's Hospital of Philadelphia
No classification provided (evidence only). Condition: Alagille syndrome. Review status: no classification provided. Collection method: research. Allele origin: not applicable. Functional consequence: functionally_abnormal.
ClinVar note: "not provided" was previously submitted as the classification for the variant. However, the classification appeared to be based only on an observation of functional data so it was converted to no classification on 2025-07-30.

NM_000214.3(JAG1):c.556A>C (p.Thr186Pro)

Gene: JAG1 (jagged canonical Notch ligand 1; minus strand). Cytogenetic location: 20p12.2.
Variant type: single nucleotide variant.
Coding change: c.556A>C on transcript NM_000214.3 (MANE Select); coding-DNA position 556, A replaced by C.
Protein change: p.Thr186Pro; replaces threonine 186 with proline.
Molecular consequence: missense variant.
Genome position (GRCh38, 1-based): chr20:10,658,606, T>G on the plus strand (A>C on the coding strand, the complement: JAG1 is on the minus strand). VCF-style: chr20-10658606-T-G. GRCh37 (hg19) VCF-style: chr20-10639254-T-G.
Other names: short protein forms T186P.
Identifiers: ClinVar variation 3573062 (VCV003573062.2).